The following is an entry in ClinVar:

ClinVar aggregate classification (germline): Pathogenic. Review status: reviewed by expert panel (3 of 4 stars). 4 submissions from 3 submitters: Pathogenic (1). 3 of the submissions do not count toward it. Last evaluated 2025-02-11.

Conditions:
Bernard Soulier syndrome (BSS). Also called: BLEEDING DISORDER, PLATELET-TYPE, 1; GLYCOPROTEIN Ib, PLATELET, DEFICIENCY OF; PLATELET GLYCOPROTEIN Ib DEFICIENCY; Giant platelet syndrome; Hemorrhagiparous thrombocytic dystrophy; Giant platelet disease. Identifiers: Orphanet 274, MedGen C0005129, MeSH D001606, MONDO:0009276, OMIM 231200.
Pseudo von Willebrand disease (VWDP). Also called: BLEEDING DISORDER, PLATELET-TYPE, 3; Platelet-type von Willebrand disease. Identifiers: Orphanet 52530, MedGen C1280798, MONDO:0008332, OMIM 177820.
Nonarteritic anterior ischemic optic neuropathy, susceptibility to (NAION). Also called: NAION, SUSCEPTIBILITY TO; OPTIC NEUROPATHY, ANTERIOR ISCHEMIC, SUSCEPTIBILITY TO. Identifiers: MedGen C1847711, MONDO:0009789, OMIM 258660.
Bernard-Soulier syndrome, type A2, autosomal dominant (BSSA2). Also called: Bernard-Soulier syndrome, type A2 (dominant). Identifiers: Orphanet 274, MedGen C3277076, MONDO:0007930, OMIM 153670.

Submissions (4):

ClinGen Platelet Disorders Variant Curation Expert Panel, ClinGen
Classification: Pathogenic for Bernard Soulier syndrome. Last evaluated: 2025-02-11. Review status: reviewed by expert panel. Criteria: ClinGen Platelet ACMG Specifications GP1BA V1.0.0. Collection method: curation. Allele origin: germline. Inheritance: Autosomal recessive inheritance.
Comment: The c.1480del (p.Thr494ProfsTer59) variant in GP1BA is a frameshift variant in exon 2 of 2, that may cause loss of function of the protein; it is predicted to escape nonsense mediated decay and remove 15% of the protein (PVS1_Strong). At least four Bernard-Soulier syndrome patients have been reported with this variant (PM3_Strong); two are homozygous (PMIDs: 9628437, 8772211; 1pt) and two are compound heterozygous with Glu347Ter and c.1454dup variants respectively (PMID: 23414566, 9241731). Case I, of PMID: 23414566, had no aggregation response to ristocetin and decreased thrombin-induced aggregation but normal aggregation with ADP and collagen, additionally GPIbα expression was completely absent on patient platelets, which is highly specific to Bernard-Soulier syndrome (PP4). The Grpmax filtering allele frequency in gnomAD v4.1 is 0.00004345 (5/44886 alleles) in the East Asian population and is below the <0.0001114 threshold for PM2_Supporting. In summary, this variant meets the criteria to be classified as Pathogenic for autosomal recessive Bernard-Soulier syndrome based on the ACMG/AMP criteria applied, as specified by the ClinGen PD VCEP: PP4, PM3_Strong, PVS1_Strong, PM2_Supporting (ClinGen Platelet Disorders VCEP specifications version 1).

Fulgent Genetics
Classification: Likely pathogenic for Bernard-Soulier syndrome, type A2, autosomal dominant; Pseudo von Willebrand disease; Bernard Soulier syndrome; Nonarteritic anterior ischemic optic neuropathy, susceptibility to. Last evaluated: 2024-06-04. Review status: criteria provided, single submitter. Criteria: ACMG Guidelines, 2015. Collection method: clinical testing. Allele origin: germline. Not counted in ClinVar's aggregate classification.

ISTH-SSC Genomics in Thrombosis and Hemostasis, KU Leuven, Center for Molecular and Vascular Biology
Classification: Likely pathogenic for Bernard-Soulier syndrome, type A2, autosomal dominant. Review status: criteria provided, single submitter. Criteria: ACMG Guidelines, 2015. Collection method: clinical testing. Allele origin: germline. Affected: yes. Observed: 1 heterozygote. Not counted in ClinVar's aggregate classification.
Comment: Submitted to GoldVariant by Jose María Bastida and José Rivera; Grupo Español de Alteraciones Plaquetarias Congénitas (GEAPC)

ISTH-SSC Genomics in Thrombosis and Hemostasis, KU Leuven, Center for Molecular and Vascular Biology
Classification: Likely pathogenic for Bernard Soulier syndrome. Review status: no assertion criteria provided. Collection method: research. Allele origin: germline. Affected: yes. Not counted in ClinVar's aggregate classification.
Comment: Submitted to GoldVariant by Jose María Bastida from Hospital Universitario Salamanca - IBSAL, Spain

NM_000173.7(GP1BA):c.1480del (p.Thr494fs)

Gene: GP1BA (glycoprotein Ib platelet subunit alpha; plus strand). Cytogenetic location: 17p13.2.
Variant type: Deletion.
Coding change: c.1480del on transcript NM_000173.7 (MANE Select); coding-DNA position 1480, one base deleted (A; older notation c.1480delA).
Protein change: p.Thr494fs; shifts the reading frame from threonine 494.
Molecular consequence: frameshift variant.
Genome position (GRCh38, 1-based): chr17:4,934,084, A deleted; the last of 7 consecutive A bases (chr17:4,934,078-4,934,084); deleting any one gives the same sequence. VCF-style (leftmost placement, unchanged base first): chr17-4934077-CA-C. GRCh37 (hg19) VCF-style: chr17-4837372-CA-C.
Other names: NM_000173.7(GP1BA):c.1480del; p.Thr494fs; c.1474delA (NM_000173.7); short protein forms T494fs.
Identifiers: ClinVar variation 1691251 (VCV001691251.4), dbSNP rs759573909, ClinGen allele CA8315005.